The following is an entry in ClinVar:

ClinVar aggregate classification (germline): Conflicting classifications of pathogenicity. Review status: criteria provided, conflicting classifications (1 of 4 stars). 2 submissions from 2 submitters: Uncertain significance (1); Likely benign (1). Last evaluated 2025-08-28.

Conditions:
Early-infantile DEE. Also called: Ohtahara syndrome; Early infantile epileptic encephalopathy with suppression bursts; Early infantile epileptic encephalopathy. Identifiers: Orphanet 1934, MedGen C0393706, MONDO:0800491.

Allele frequency attached by ClinVar (database versions not stated): gnomAD exomes below 0.00001.
gnomAD v4.1: 3 of 1,613,976 alleles (0.00019%); highest among the groups gnomAD compares: Admixed American, 0.005%; no homozygotes.

Submissions (2):

Labcorp Genetics (formerly Invitae), Labcorp
Classification: Likely benign for Early-infantile DEE. Last evaluated: 2025-08-28. Review status: criteria provided, single submitter. Criteria: Invitae Variant Classification Sherloc (09022015). Collection method: clinical testing. Allele origin: germline.

GeneDx
Classification: Uncertain significance. Last evaluated: 2024-09-01. Review status: criteria provided, single submitter. Criteria: GeneDx Variant Classification Process June 2021. Collection method: clinical testing. Allele origin: germline. Affected: yes.
Comment: Not observed at significant frequency in large population cohorts (gnomAD); In silico analysis supports that this missense variant has a deleterious effect on protein structure/function; This substitution is predicted to be within the cytoplasmic loop between the second and third homologous domains; Has not been previously published as pathogenic or benign to our knowledge

NM_001165963.4(SCN1A):c.3215A>G (p.Asp1072Gly)

Genes: SCN1A (sodium voltage-gated channel alpha subunit 1; minus strand), LOC102724058 (uncharacterized LOC102724058; plus strand). Cytogenetic location: 2q24.3.
Variant type: single nucleotide variant.
Coding change: c.3215A>G on transcript NM_001165963.4 (MANE Select); coding-DNA position 3215, A replaced by G.
Protein change: p.Asp1072Gly; replaces aspartic acid 1072 with glycine.
Molecular consequence: missense variant. On other transcripts: non-coding transcript variant (2).
Genome position (GRCh38, 1-based): chr2:166,036,262, T>C on the plus strand (A>G on the coding strand, the complement: SCN1A is on the minus strand). VCF-style: chr2-166036262-T-C. GRCh37 (hg19) VCF-style: chr2-166892772-T-C.
Other names: c.3131A>G, p.Asp1044Gly (NM_001165964.3, NM_001353957.2, NM_001353958.2); c.3215A>G, p.Asp1072Gly (NM_001202435.3, NM_001353948.2); c.3182A>G, p.Asp1061Gly (NM_001353949.2, NM_001353950.2, NM_001353951.2 and 2 more transcripts); c.3179A>G, p.Asp1060Gly (NM_001353954.2, NM_001353955.2); c.3128A>G, p.Asp1043Gly (NM_001353960.2); c.773A>G, p.Asp258Gly (NM_001353961.2); short protein forms D1061G, D1072G, D1060G, D1044G, D258G, D1043G.
Identifiers: ClinVar variation 530533 (VCV000530533.13), dbSNP rs1553540263, ClinGen allele CA349059553.